The following is an entry in ClinVar:

ClinVar aggregate classification (germline): Uncertain significance (1 of 4 stars; one submission).

Conditions:
Hereditary cancer-predisposing syndrome. Also called: Tumor predisposition; Hereditary neoplastic syndrome; Hereditary Cancer Syndrome; Neoplastic Syndromes, Hereditary. Identifiers: Orphanet 140162, MedGen C0027672, MeSH D009386, MONDO:0015356.

Submission:

Ambry Genetics
Classification: Uncertain significance for Hereditary cancer-predisposing syndrome. Last evaluated: 2025-05-03. Review status: criteria provided, single submitter. Criteria: Ambry Variant Classification Scheme 2023. Collection method: clinical testing. Allele origin: germline.
Comment: The p.P50L variant (also known as c.149C>T), located in coding exon 1 of the SMARCA4 gene, results from a C to T substitution at nucleotide position 149. The proline at codon 50 is replaced by leucine, an amino acid with similar properties. This amino acid position is conserved. In addition, the in silico prediction for this alteration is inconclusive. Based on the available evidence, the clinical significance of this variant remains unclear.

NM_003072.5(SMARCA4):c.149C>T (p.Pro50Leu)

Gene: SMARCA4 (SWI/SNF related BAF chromatin remodeling complex subunit ATPase 4; plus strand). Cytogenetic location: 19p13.2.
Variant type: single nucleotide variant.
Coding change: c.149C>T on transcript NM_003072.5 (MANE Select); coding-DNA position 149, C replaced by T.
Protein change: p.Pro50Leu; replaces proline 50 with leucine.
Molecular consequence: missense variant. On other transcripts: non-coding transcript variant (1).
Genome position (GRCh38, 1-based): chr19:10,984,300, C>T. VCF-style: chr19-10984300-C-T. GRCh37 (hg19) VCF-style: chr19-11094976-C-T.
Other names: c.149C>T, p.Pro50Leu (NM_001128844.3, NM_001128845.2, NM_001128846.2 and 6 more transcripts); short protein forms P50L.
Identifiers: ClinVar variation 3958453 (VCV003958453.1).
Genomic context (GRCh38, chr19:10,984,300, plus strand): 5'-CTAGCCCGGGTCCCTCGCCGGGCTCCGCCCACAGCATGATGGGGCCCAGCCCAGGGCCGC[C>T]CTCAGCAGGACACCCCATCCCCACCCAGGGGCCTGGAGGGTACCCTCAGGACAACATGCA-3'
Protein context (NP_003063.2, residues 40-60): HSMMGPSPGP[Pro50Leu]SAGHPIPTQG